The following is an entry in ClinVar:

NM_006208.3(ENPP1):c.*4636C>T

Gene: ENPP1 (ectonucleotide pyrophosphatase/phosphodiesterase 1; plus strand). Cytogenetic location: 6q23.2.
Variant type: single nucleotide variant.
Coding change: c.*4636C>T on transcript NM_006208.3 (MANE Select); 4636 bases downstream of the stop codon, C replaced by T.
Molecular consequence: 3 prime UTR variant.
Genome position (GRCh38, 1-based): chr6:131,895,147, C>T. VCF-style: chr6-131895147-C-T. GRCh37 (hg19) VCF-style: chr6-132216287-C-T.
Identifiers: ClinVar variation 355433 (VCV000355433.5), dbSNP rs11963615, ClinGen allele CA10625814.

ClinVar aggregate classification (germline): Benign. Review status: criteria provided, single submitter (1 of 4 stars). 2 submissions from 1 submitter: Benign (2). Last evaluated 2018-01-13.

Conditions:
Hypophosphatemic rickets, autosomal recessive, 2 (ARHR2). Identifiers: Orphanet 289176, MedGen C2750078, MONDO:0013219, OMIM 613312.
Arterial calcification, generalized, of infancy, 1 (GACI1). Also called: Idiopathic Infantile Arterial Calcification. Identifiers: Orphanet 51608, MedGen C4551985, MONDO:0008817, OMIM 208000.

Allele frequency attached by ClinVar (database versions not stated): gnomAD 0.08326 and 0.08655; TOPMed 0.09116; 1000 Genomes Project 0.09605; 1000 Genomes Project 30x 0.10275.

Submissions (2):

Illumina Laboratory Services, Illumina
Classification: Benign for Arterial calcification, generalized, of infancy, 1. Last evaluated: 2018-01-13. Review status: criteria provided, single submitter. Criteria: ICSL Variant Classification Criteria 13 December 2019. Collection method: clinical testing. Allele origin: germline.
Comment: This variant was observed in the ICSL laboratory as part of a predisposition screen in an ostensibly healthy population. It had not been previously curated by ICSL or reported in the Human Gene Mutation Database (HGMD: prior to June 1st, 2018), and was therefore a candidate for classification through an automated scoring system. Utilizing variant allele frequency, disease prevalence and penetrance estimates, and inheritance mode, an automated score was calculated to assess if this variant is too frequent to cause the disease. Based on the score and internal cut-off values, a variant classified as benign is not then subjected to further curation. The score for this variant resulted in a classification of benign for this disease.

Illumina Laboratory Services, Illumina
Classification: Benign for Hypophosphatemic rickets, autosomal recessive, 2. Last evaluated: 2018-01-13. Review status: criteria provided, single submitter. Criteria: ICSL Variant Classification Criteria 13 December 2019. Collection method: clinical testing. Allele origin: germline.
Comment: the same text as in the submission from Illumina Laboratory Services, Illumina above.